The following is an entry in ClinVar:

NM_006005.3(WFS1):c.874C>T (p.Pro292Ser)

Gene: WFS1 (wolframin ER transmembrane glycoprotein; plus strand). Cytogenetic location: 4p16.1.
Variant type: single nucleotide variant.
Coding change: c.874C>T on transcript NM_006005.3 (MANE Select); coding-DNA position 874, C replaced by T.
Protein change: p.Pro292Ser; replaces proline 292 with serine.
Molecular consequence: missense variant.
Genome position (GRCh38, 1-based): chr4:6,300,669, C>T. VCF-style: chr4-6300669-C-T. GRCh37 (hg19) VCF-style: chr4-6302396-C-T.
Other names: c.874C>T, p.Pro292Ser (NM_001145853.1); short protein forms P292S.
Identifiers: ClinVar variation 3377398 (VCV003377398.1).
Genomic context (GRCh38, chr4:6,300,669, plus strand): 5'-GTGGGGGTCCTGTCCCAGCCTCGTTCCCACGTACCATCTTTCCCCCAGGTGGTCAAGTAC[C>T]CCCTGCACGCCATCATGGAGATCAAGGAGTACCTGATTGACATGGCCTCCAGGGCAGGCA-3'
Protein context (NP_005996.2, residues 282-302): LPLRLKVVKY[Pro292Ser]LHAIMEIKEY

ClinVar aggregate classification (germline): Likely pathogenic (1 of 4 stars; one submission).

Conditions:
Wolfram syndrome 1 (WFS1). Identifiers: Orphanet 3463, MedGen C4551693, MONDO:0009101, OMIM 222300.

gnomAD v4.1: 16 of 1,613,962 alleles (0.00099%); highest among the groups gnomAD compares: Non-Finnish European, 0.0014%; no homozygotes.

Submission:

Victorian Clinical Genetics Services, Murdoch Childrens Research Institute
Classification: Likely pathogenic for Wolfram syndrome 1. Last evaluated: 2022-03-31. Review status: criteria provided, single submitter. Criteria: ACMG Guidelines, 2015. Collection method: clinical testing. Allele origin: germline. Inheritance: Autosomal recessive inheritance. Affected: yes.
Comment: Based on the classification scheme VCGS_Germline_v1.3.4, this variant is classified as Likely pathogenic. Following criteria are met: 0102 - Loss of function is a known mechanism of disease in this gene and is associated with autosomal recessive Wolfram syndrome 1 (MIM#222300), and a dominant negative mechanism has also been suggested for heterozygous missense variants causing autosomal dominant Wolfram-like syndrome (MIM#614296). (I) 0108 - This gene is associated with both recessive and dominant disease. Wolfram syndrome 1 (MIM#222300) is recessive, whereas Wolfram-like syndrome (MIM#614296) and Deafness 6/14/38 (MIM#600965) is inherited in a dominant manner (OMIM). (I) 0200 - Variant is predicted to result in a missense amino acid change from proline to serine. (I) 0251 - This variant is heterozygous. (I) 0304 - Variant is present in gnomAD (v2) <0.01 for a condition (2 heterozygotes, 0 homozygotes). (SP) 0309 - Three alternative amino acid changes at the same position have been observed in gnomAD (v2) (highest allele count: 2 heterozygotes, 0 homozygotes). (I) 0501 - Missense variant consistently predicted to be damaging by multiple in silico tools or highly conserved with a major amino acid change. (SP) 0604 - Variant is not located in an established domain, motif, hotspot or informative constraint region. (I) 0704 - Another missense variant comparable to the one identified in this case has limited previous evidence for pathogenicity. An alternative change to a threonine has been reported in a compound heterozygous individual with Wolfram syndrome 1 (PMID: 28432734). (SP) 0803 - This variant has limited previous evidence of pathogenicity in one individual. This variant has been reported in one compound heterozygous individual with Wolfram syndrome 1 (PMID: 10521293). (SP) 0905 - No published segregation evidence has been identified for this variant. (I) 1007 - No published functional evidence has been identified for this variant. (I) 1208 - Inheritance information for this variant is not currently available in this individual. (I) Legend: (SP) - Supporting pathogenic, (I) - Information, (SB) - Supporting benign

Literature cited by the submitters: PubMed 10521293; PubMed 28432734.